The following is an entry in ClinVar:

NM_004380.3(CREBBP):c.5602C>T (p.Arg1868Trp)

Gene: CREBBP (CREB binding lysine acetyltransferase; minus strand). Cytogenetic location: 16p13.3.
Variant type: single nucleotide variant.
Coding change: c.5602C>T on transcript NM_004380.3 (MANE Select); coding-DNA position 5602, C replaced by T.
Protein change: p.Arg1868Trp; replaces arginine 1868 with tryptophan.
Molecular consequence: missense variant.
Genome position (GRCh38, 1-based): chr16:3,729,445, G>A on the plus strand (C>T on the coding strand, the complement: CREBBP is on the minus strand). VCF-style: chr16-3729445-G-A. GRCh37 (hg19) VCF-style: chr16-3779446-G-A.
Other names: c.5488C>T, p.Arg1830Trp (NM_001079846.1); short protein forms R1868W, R1830W.
Identifiers: ClinVar variation 265346 (VCV000265346.48), dbSNP rs886039491, ClinGen allele CA10588618.

ClinVar aggregate classification (germline): Pathogenic. Review status: criteria provided, multiple submitters, no conflicts (2 of 4 stars). 8 submissions from 8 submitters: Pathogenic (7). 1 of the submissions does not count toward it. Last evaluated 2024-08-07.

Conditions:
Menke-Hennekam syndrome 1 (MKHK1). Identifiers: MedGen C5193034, MONDO:0020763, OMIM 618332.
Menke-Hennekam syndrome. Identifiers: Orphanet 592574, MedGen C5681632, MONDO:0020774.

Submissions (8):

3billion
Classification: Pathogenic for Menke-Hennekam syndrome 1. Last evaluated: 2024-08-07. Review status: criteria provided, single submitter. Criteria: ACMG Guidelines, 2015. Collection method: clinical testing. Allele origin: germline. Affected: yes.
Comment: The variant is not observed in the gnomAD v4.0.0 dataset. Predicted Consequence/Location: Missense variant In silico tool predictions suggest damaging effect of the variant on gene or gene product [REVEL: 0.67 (>=0.6, sensitivity 0.68 and specificity 0.92); 3Cnet: 0.97 (>=0.6, sensitivity 0.72 and precision 0.9)]. The same nucleotide change resulting in the same amino acid change has been previously reported as pathogenic/likely pathogenic with strong evidence (ClinVar ID: VCV000265346 /PMID: 27311832 /3billion dataset). The variant has been observed in at least two similarly affected unrelated individuals (PMID: 27311832, 29159939, 29460469, 30892814). A different missense change at the same codon (p.Arg1868Gln) has been reported as pathogenic/likely pathogenic with strong evidence (ClinVar ID: VCV000598959 /PMID: 29460469). Therefore, this variant is classified as Pathogenic according to the recommendation of ACMG/AMP guideline.

GeneDx
Classification: Pathogenic. Last evaluated: 2024-03-04. Review status: criteria provided, single submitter. Criteria: GeneDx Variant Classification Process June 2021. Collection method: clinical testing. Allele origin: germline. Affected: yes.
Comment: Not observed in large population cohorts (gnomAD); In silico analysis supports that this missense variant has a deleterious effect on protein structure/function; This variant is associated with the following publications: (PMID: 29460469, 30892814, 27311832, 29159939, 33057194, 35904121, 36939041, 35982159, 37353886, 37010288)

Duke University Health System Sequencing Clinic, Duke University Health System
Classification: Pathogenic for Menke-Hennekam syndrome 1. Last evaluated: 2023-04-20. Review status: criteria provided, single submitter. Criteria: ACMG Guidelines, 2015. Collection method: research. Allele origin: de novo. Affected: yes.

Center for Personalized Medicine, Children's Hospital Los Angeles
Classification: Pathogenic. Last evaluated: 2022-12-21. Review status: criteria provided, single submitter. Criteria: ACMG Guidelines, 2015. Collection method: clinical testing. Allele origin: unknown. Affected: yes.

Women's Health and Genetics/Laboratory Corporation of America, LabCorp
Classification: Pathogenic for Menke-Hennekam syndrome. Last evaluated: 2022-07-15. Review status: criteria provided, single submitter. Criteria: LabCorp Variant Classification Summary - May 2015. Collection method: clinical testing. Allele origin: germline.
Comment: Variant summary: CREBBP c.5602C>T (p.Arg1868Trp) results in a non-conservative amino acid change in the encoded protein sequence. Five of five in-silico tools predict a damaging effect of the variant on protein function. The variant was absent in 250920 control chromosomes. c.5602C>T has been reported in the literature as a de-novo variant in multiple individuals with CREBBP-related disorders lacking the characteristic facial and limb dysmorphism associated with RubinsteinTaybi syndrome (RTS), specifically called as Menke-Hennekam syndrome (example, Menke_2018, Banka_2019). These data indicate that the variant is very likely to be associated with disease. To our knowledge, no experimental evidence demonstrating an impact on protein function has been reported. Four clinical diagnostic laboratories have submitted clinical-significance assessments for this variant to ClinVar after 2014 without evidence for independent evaluation. All laboratories classified the variant as pathogenic. Based on the evidence outlined above, the variant was classified as pathogenic.

CeGaT Center for Human Genetics Tuebingen
Classification: Pathogenic. Last evaluated: 2020-10-01. Review status: criteria provided, single submitter. Criteria: CeGaT Center For Human Genetics Tuebingen Variant Classification Criteria Version 2. Collection method: clinical testing. Allele origin: germline. Affected: yes. Observed: 1 variant allele.

Institute of Human Genetics, University of Leipzig Medical Center
Classification: Pathogenic for Menke-Hennekam syndrome 1. Last evaluated: 2019-07-15. Review status: criteria provided, single submitter. Criteria: ACMG Guidelines, 2015. Collection method: clinical testing. Allele origin: germline. Affected: yes. Observed: 1 variant allele.

OMIM
Classification: Pathogenic for MENKE-HENNEKAM SYNDROME 1. Last evaluated: 2019-02-22. Review status: no assertion criteria provided. Collection method: literature only. Allele origin: germline. Not counted in ClinVar's aggregate classification.

Literature cited by the submitters: PubMed 27311832 (cited by 3billion and OMIM); PubMed 29159939 (cited by 3billion); PubMed 29460469 (cited by 3 submitters); PubMed 30892814 (cited by 3billion and Women's Health and Genetics/Laboratory Corporation of America, LabCorp).